The following is an entry in ClinVar:

ClinVar aggregate classification (germline): Likely pathogenic. Review status: criteria provided, multiple submitters, no conflicts (2 of 4 stars). 2 submissions from 2 submitters: Likely pathogenic (2). Last evaluated 2024-02-23.

Conditions:
Severe early-childhood-onset retinal dystrophy (STGD1). Also called: Stargardt macular dystrophy; Juvenile onset macular degeneration; Stargardt disease 1; MACULAR DYSTROPHY WITH FLECKS, TYPE 1; STGD. Identifiers: Orphanet 364055, Orphanet 827, MedGen C1855465, MeSH D000080362, MONDO:0009549, OMIM 248200.

Submissions (2):

Labcorp Genetics (formerly Invitae), Labcorp
Classification: Likely pathogenic. Last evaluated: 2024-02-23. Review status: criteria provided, single submitter. Criteria: Invitae Variant Classification Sherloc (09022015). Collection method: clinical testing. Allele origin: germline.
Comment: This sequence change replaces cysteine, which is neutral and slightly polar, with arginine, which is basic and polar, at codon 1797 of the ABCA4 protein (p.Cys1797Arg). This variant is not present in population databases (gnomAD no frequency). This missense change has been observed in individual(s) with Stargardt disease (Invitae). ClinVar contains an entry for this variant (Variation ID: 1998873). Advanced modeling of protein sequence and biophysical properties (such as structural, functional, and spatial information, amino acid conservation, physicochemical variation, residue mobility, and thermodynamic stability) performed at Invitae indicates that this missense variant is expected to disrupt ABCA4 protein function with a positive predictive value of 95%. In summary, the currently available evidence indicates that the variant is pathogenic, but additional data are needed to prove that conclusively. Therefore, this variant has been classified as Likely Pathogenic.

Clinical Genetics Service, Universitary Hospital 12 de Octubre
Classification: Likely pathogenic for Severe early-childhood-onset retinal dystrophy. Review status: criteria provided, single submitter. Criteria: ACMG Guidelines, 2015. Collection method: clinical testing. Allele origin: maternal. Affected: yes.

NM_000350.3(ABCA4):c.5389T>C (p.Cys1797Arg)

Gene: ABCA4 (ATP binding cassette subfamily A member 4; minus strand). Cytogenetic location: 1p22.1.
Variant type: single nucleotide variant.
Coding change: c.5389T>C on transcript NM_000350.3 (MANE Select); coding-DNA position 5389, T replaced by C.
Protein change: p.Cys1797Arg; replaces cysteine 1797 with arginine.
Molecular consequence: missense variant.
Genome position (GRCh38, 1-based): chr1:94,014,614, A>G on the plus strand (T>C on the coding strand, the complement: ABCA4 is on the minus strand). VCF-style: chr1-94014614-A-G. GRCh37 (hg19) VCF-style: chr1-94480170-A-G.
Other names: c.5167T>C, p.Cys1723Arg (NM_001425324.1); c.5389T>C (NM_000350.2); short protein forms C1797R, C1723R.
Identifiers: ClinVar variation 1998873 (VCV001998873.5), dbSNP rs2523668682, ClinGen allele CA341281380.
Genomic context (GRCh38, chr1:94,014,614, plus strand): 5'-CAAATAATTCCAAGATGAAGGTAATAGCACTGCTGTTGATGCCGATGAACAGATTAGCAC[A>G]AGATAAAGCCACATAGGCTGTGCTGGGGACATCAAACAGGAAGGATGCTGGGTACATCAT-3'
Protein context (NP_000341.2, residues 1787-1807): VPSTAYVALS[Cys1797Arg]ANLFIGINSS